The following is an entry in ClinVar:

NM_030665.4(RAI1):c.435G>T (p.Leu145Phe)

Gene: RAI1 (retinoic acid induced 1; plus strand). Cytogenetic location: 17p11.2.
Variant type: single nucleotide variant.
Coding change: c.435G>T on transcript NM_030665.4 (MANE Select); coding-DNA position 435, G replaced by T.
Protein change: p.Leu145Phe; replaces leucine 145 with phenylalanine.
Molecular consequence: missense variant.
Genome position (GRCh38, 1-based): chr17:17,793,383, G>T. VCF-style: chr17-17793383-G-T. GRCh37 (hg19) VCF-style: chr17-17696697-G-T.
Other names: short protein forms L145F.
Identifiers: ClinVar variation 2771473 (VCV002771473.3), dbSNP rs2143001584, ClinGen allele CA398545454.

ClinVar aggregate classification (germline): Uncertain significance (1 of 4 stars; one submission).

Submission:

Labcorp Genetics (formerly Invitae), Labcorp
Classification: Uncertain significance. Last evaluated: 2023-10-23. Review status: criteria provided, single submitter. Criteria: Invitae Variant Classification Sherloc (09022015). Collection method: clinical testing. Allele origin: germline.
Comment: This sequence change replaces leucine, which is neutral and non-polar, with phenylalanine, which is neutral and non-polar, at codon 145 of the RAI1 protein (p.Leu145Phe). This variant is not present in population databases (gnomAD no frequency). This variant has not been reported in the literature in individuals affected with RAI1-related conditions. Advanced modeling of protein sequence and biophysical properties (such as structural, functional, and spatial information, amino acid conservation, physicochemical variation, residue mobility, and thermodynamic stability) has been performed at Invitae for this missense variant, however the output from this modeling did not meet the statistical confidence thresholds required to predict the impact of this variant on RAI1 protein function. In summary, the available evidence is currently insufficient to determine the role of this variant in disease. Therefore, it has been classified as a Variant of Uncertain Significance.